The following is an entry in ClinVar:

NM_144701.3(IL23R):c.1342A>G (p.Thr448Ala)

Gene: IL23R (interleukin 23 receptor; plus strand). Cytogenetic location: 1p31.3.
Variant type: single nucleotide variant.
Coding change: c.1342A>G on transcript NM_144701.3 (MANE Select); coding-DNA position 1342, A replaced by G.
Protein change: p.Thr448Ala; replaces threonine 448 with alanine.
Molecular consequence: missense variant.
Genome position (GRCh38, 1-based): chr1:67,258,580, A>G. VCF-style: chr1-67258580-A-G. GRCh37 (hg19) VCF-style: chr1-67724263-A-G.
Other names: short protein forms T448A.
Identifiers: ClinVar variation 1976767 (VCV001976767.5), dbSNP rs1274475754, ClinGen allele CA340727906.

ClinVar aggregate classification (germline): Uncertain significance (1 of 4 stars; one submission).

Allele frequency attached by ClinVar (database versions not stated): gnomAD exomes below 0.00001.
gnomAD v4.1: 1 of 1,613,466 alleles (0.000062%); highest among the groups gnomAD compares: Non-Finnish European, 0.000085%; no homozygotes.

Submission:

Labcorp Genetics (formerly Invitae), Labcorp
Classification: Uncertain significance. Last evaluated: 2023-10-05. Review status: criteria provided, single submitter. Criteria: Invitae Variant Classification Sherloc (09022015). Collection method: clinical testing. Allele origin: germline.
Comment: This sequence change replaces threonine, which is neutral and polar, with alanine, which is neutral and non-polar, at codon 448 of the IL23R protein (p.Thr448Ala). This variant is present in population databases (no rsID available, gnomAD 0.006%). This variant has not been reported in the literature in individuals affected with IL23R-related conditions. ClinVar contains an entry for this variant (Variation ID: 1976767). Algorithms developed to predict the effect of missense changes on protein structure and function output the following: SIFT: "Not Available"; PolyPhen-2: "Benign"; Align-GVGD: "Not Available". The alanine amino acid residue is found in multiple mammalian species, which suggests that this missense change does not adversely affect protein function. In summary, the available evidence is currently insufficient to determine the role of this variant in disease. Therefore, it has been classified as a Variant of Uncertain Significance.